The following is an entry in ClinVar:

ClinVar aggregate classification (germline): Uncertain significance (1 of 4 stars; one submission).

Conditions:
Congenital myasthenic syndrome 8. Also called: MYASTHENIC SYNDROME, CONGENITAL, DUE TO AGRIN DEFICIENCY; Myasthenic syndrome, congenital, 8, with pre- and postsynaptic defects. Identifiers: Orphanet 590, MedGen C3808739, MONDO:0014052, OMIM 615120.

Allele frequency attached by ClinVar (database versions not stated): gnomAD exomes below 0.00001; gnomAD 0.00001; ExAC 0.00004; TOPMed 0.00004.
gnomAD v4.1: 4 of 1,590,320 alleles (0.00025%); highest among the groups gnomAD compares: Middle Eastern, 0.016%; no homozygotes.

Submission:

Labcorp Genetics (formerly Invitae), Labcorp
Classification: Uncertain significance for Congenital myasthenic syndrome 8. Last evaluated: 2022-06-12. Review status: criteria provided, single submitter. Criteria: Invitae Variant Classification Sherloc (09022015). Collection method: clinical testing. Allele origin: germline.
Comment: This sequence change falls in intron 5 of the AGRN gene. It does not directly change the encoded amino acid sequence of the AGRN protein. It affects a nucleotide within the consensus splice site. This variant is present in population databases (rs779928107, gnomAD 0.001%). This variant has not been reported in the literature in individuals affected with AGRN-related conditions. Variants that disrupt the consensus splice site are a relatively common cause of aberrant splicing (PMID: 17576681, 9536098). Algorithms developed to predict the effect of sequence changes on RNA splicing suggest that this variant is not likely to affect RNA splicing. In summary, the available evidence is currently insufficient to determine the role of this variant in disease. Therefore, it has been classified as a Variant of Uncertain Significance.

Literature cited by the submitters: PubMed 17576681; PubMed 9536098.

NM_198576.4(AGRN):c.953-3C>T

Gene: AGRN (agrin; plus strand). Cytogenetic location: 1p36.33.
Variant type: single nucleotide variant.
Coding change: c.953-3C>T on transcript NM_198576.4 (MANE Select); 3 bases into the intron before coding-DNA position 953, C replaced by T.
Molecular consequence: intron variant.
Genome position (GRCh38, 1-based): chr1:1,041,475, C>T. VCF-style: chr1-1041475-C-T. GRCh37 (hg19) VCF-style: chr1-976855-C-T.
Other names: c.953-3C>T (NM_001305275.2); c.638-3C>T (NM_001364727.2).
Identifiers: ClinVar variation 2045579 (VCV002045579.1), dbSNP rs779928107, ClinGen allele CA507959.
Genomic context (GRCh38, chr1:1,041,475, plus strand): 5'-CGCACGGCTCGAGCTCTGTGGGCGCGCGGCGACAGCGTCCTGACTCCTGCCCTCGACCCC[C>T]AGACCCCTGTCAGGGCGCCCTCCCTGACCCGAGCCGCAGCTGCCGTGTGAACCCGCGCAC-3'